The following is an entry in ClinVar:

NM_175614.5(NDUFA11):c.191-12T>C

Gene: NDUFA11 (NADH:ubiquinone oxidoreductase subunit A11; minus strand). Cytogenetic location: 19p13.3.
Variant type: single nucleotide variant.
Coding change: c.191-12T>C on transcript NM_175614.5 (MANE Select); 12 bases into the intron before coding-DNA position 191, T replaced by C.
Molecular consequence: intron variant.
Genome position (GRCh38, 1-based): chr19:5,896,587, A>G on the plus strand (T>C on the coding strand, the complement: NDUFA11 is on the minus strand). VCF-style: chr19-5896587-A-G. GRCh37 (hg19) VCF-style: chr19-5896598-A-G.
Other names: c.191-12T>C (NM_001193375.3).
Identifiers: ClinVar variation 507099 (VCV000507099.5), dbSNP rs753345776, ClinGen allele CA9118974.

ClinVar aggregate classification (germline): Likely benign. Review status: criteria provided, multiple submitters, no conflicts (2 of 4 stars). 2 submissions from 2 submitters: Likely benign (2). Last evaluated 2026-01-12.

Allele frequency attached by ClinVar (database versions not stated): gnomAD exomes 0.00001 and 0.00010; ExAC 0.00004; TOPMed 0.00004.
gnomAD v4.1: 19 of 1,561,346 alleles (0.0012%); highest among the groups gnomAD compares: Admixed American, 0.037%; no homozygotes.

Submissions (2):

Labcorp Genetics (formerly Invitae), Labcorp
Classification: Likely benign. Last evaluated: 2026-01-12. Review status: criteria provided, single submitter. Criteria: Invitae Variant Classification Sherloc (09022015). Collection method: clinical testing. Allele origin: germline.

GeneDx
Classification: Likely benign. Last evaluated: 2017-02-02. Review status: criteria provided, single submitter. Criteria: GeneDx Variant Classification (06012015). Collection method: clinical testing. Allele origin: germline. Affected: yes.
Comment: This variant is considered likely benign or benign based on one or more of the following criteria: it is a conservative change, it occurs at a poorly conserved position in the protein, it is predicted to be benign by multiple in silico algorithms, and/or has population frequency not consistent with disease.